The following is an entry in ClinVar:

ClinVar aggregate classification (germline): Uncertain significance. Review status: criteria provided, multiple submitters, no conflicts (2 of 4 stars). 4 submissions from 4 submitters: Uncertain significance (4). Last evaluated 2024-12-13.

Conditions:
Cardiomyopathy (CMYO). Also called: Cardiomyopathies. Identifiers: Orphanet 167848, MedGen C0878544, MONDO:0004994, HP:0001638. Inheritance: Various modes of inheritance.
Arrhythmogenic right ventricular cardiomyopathy (ARVD). Also called: Arrhythmogenic cardiomyopathy; Arrhythmogenic Right Ventricular Cardiomyopathy (ARVC); Cardiomyopathy, ARVC; Arrhythmogenic right ventricular dysplasia. Identifiers: Orphanet 247, MedGen C0349788, MeSH D019571, MONDO:0016587. Disease mechanism: loss of function. Inheritance: Various modes of inheritance.
Arrhythmogenic right ventricular dysplasia 9 (ARVD9). Also called: Arrhythmogenic Right Ventricular Dysplasia/Cardiomyopathy 9; ARRHYTHMOGENIC RIGHT VENTRICULAR DYSPLASIA, FAMILIAL, 9. Identifiers: MedGen C1836906, MONDO:0012180, OMIM 609040.

Allele frequency attached by ClinVar (database versions not stated): gnomAD 0.00001; TOPMed 0.00001.
gnomAD v4.1: 30 of 1,613,728 alleles (0.0019%); highest among the groups gnomAD compares: Non-Finnish European, 0.0025%; 1 homozygote.

Submissions (4):

GeneDx
Classification: Uncertain significance. Last evaluated: 2024-12-13. Review status: criteria provided, single submitter. Criteria: GeneDx Variant Classification Process June 2021. Collection method: clinical testing. Allele origin: germline. Affected: yes.
Comment: Not observed at significant frequency in large population cohorts (gnomAD); In silico analysis supports that this missense variant does not alter protein structure/function; This variant is associated with the following publications: (PMID: 25351510)

Labcorp Genetics (formerly Invitae), Labcorp
Classification: Uncertain significance for Arrhythmogenic right ventricular dysplasia 9. Last evaluated: 2024-11-17. Review status: criteria provided, single submitter. Criteria: Invitae Variant Classification Sherloc (09022015). Collection method: clinical testing. Allele origin: germline.
Comment: This sequence change replaces methionine, which is neutral and non-polar, with isoleucine, which is neutral and non-polar, at codon 365 of the PKP2 protein (p.Met365Ile). This variant is present in population databases (no rsID available, gnomAD 0.002%). This missense change has been observed in individual(s) with hypertrophic cardiomyopathy (PMID: 25351510). ClinVar contains an entry for this variant (Variation ID: 201963). An algorithm developed to predict the effect of missense changes on protein structure and function outputs the following: PolyPhen-2: "Benign". The isoleucine amino acid residue is found in multiple mammalian species, which suggests that this missense change does not adversely affect protein function. In summary, the available evidence is currently insufficient to determine the role of this variant in disease. Therefore, it has been classified as a Variant of Uncertain Significance.

All of Us Research Program, National Institutes of Health
Classification: Uncertain significance for Arrhythmogenic right ventricular cardiomyopathy. Last evaluated: 2024-09-23. Review status: criteria provided, single submitter. Criteria: ACMG Guidelines, 2015. Collection method: clinical testing. Allele origin: germline. Inheritance: Autosomal dominant inheritance. Observed: 4 variant alleles, 4 heterozygotes.
Comment: This missense variant replaces methionine with isoleucine at codon 365 of the PKP2 protein. Computational prediction suggests that this variant may not impact protein structure and function (internally defined REVEL score threshold <= 0.5, PMID: 27666373). To our knowledge, functional studies have not been reported for this variant. This variant has been reported in an individual affected with hypertrophic cardiomyopathy (PMID: 25351510). This variant has been identified in 2/251336 chromosomes in the general population by the Genome Aggregation Database (gnomAD). The available evidence is insufficient to determine the role of this variant in disease conclusively. Therefore, this variant is classified as a Variant of Uncertain Significance.

This study involves interpretation of variants in research participants for the purpose of population health screening. Participant phenotype was not available at the time of variant classification. Additional details can be found in publication PMID: 35346344, PMCID: PMC8962531

Color Diagnostics, LLC DBA Color Health
Classification: Uncertain significance for Cardiomyopathy. Last evaluated: 2023-10-25. Review status: criteria provided, single submitter. Criteria: ACMG Guidelines, 2015. Collection method: clinical testing. Allele origin: germline.
Comment: This missense variant replaces methionine with isoleucine at codon 365 of the PKP2 protein. Computational prediction suggests that this variant may not impact protein structure and function (internally defined REVEL score threshold <= 0.5, PMID: 27666373). To our knowledge, functional studies have not been reported for this variant. This variant has been reported in an individual affected with hypertrophic cardiomyopathy (PMID: 25351510). This variant has been identified in 2/251336 chromosomes in the general population by the Genome Aggregation Database (gnomAD). The available evidence is insufficient to determine the role of this variant in disease conclusively. Therefore, this variant is classified as a Variant of Uncertain Significance.

Literature cited by the submitters: PubMed 25351510 (cited by 3 submitters).

NM_001005242.3(PKP2):c.1095G>A (p.Met365Ile)

Gene: PKP2 (plakophilin 2; minus strand). Cytogenetic location: 12p11.21.
Variant type: single nucleotide variant.
Coding change: c.1095G>A on transcript NM_001005242.3 (MANE Select); coding-DNA position 1095, G replaced by A.
Protein change: p.Met365Ile; replaces methionine 365 with isoleucine.
Molecular consequence: missense variant.
Genome position (GRCh38, 1-based): chr12:32,869,002, C>T on the plus strand (G>A on the coding strand, the complement: PKP2 is on the minus strand). VCF-style: chr12-32869002-C-T. GRCh37 (hg19) VCF-style: chr12-33021936-C-T.
Other names: p.M365I:ATG>ATA; c.1095G>A, p.Met365Ile (NM_004572.4); short protein forms M365I.
Identifiers: ClinVar variation 201963 (VCV000201963.11), dbSNP rs770333863, ClinGen allele CA010766.